The following is an entry in ClinVar:

NM_006859.4(LIAS):c.359_364del (p.Gly120_Gly121del)

Gene: LIAS (lipoic acid synthetase; plus strand). Cytogenetic location: 4p14.
Variant type: Deletion.
Coding change: c.359_364del on transcript NM_006859.4 (MANE Select); coding-DNA positions 359 to 364, 6 bases deleted (GTGGAG; older notation c.359_364delGTGGAG).
Protein change: p.Gly120_Gly121del.
Molecular consequence: inframe deletion.
Genome position (GRCh38, 1-based): chr4:39,463,571-39,463,576, GTGGAG deleted; deleting any 6 consecutive bases within chr4:39,463,567-39,463,576 gives the same sequence; the c. name uses the placement nearest the transcript's 3' end. VCF-style (leftmost placement, unchanged base first): chr4-39463566-GGGAGGT-G. GRCh37 (hg19) VCF-style: chr4-39465186-GGGAGGT-G.
Other names: c.359_364del, p.Gly120_Gly121del (NM_001278590.2, NM_001278591.2, NM_194451.3); c.265_270del, p.Val89_Glu90del (NM_001278592.2, NM_001363700.2).
Identifiers: ClinVar variation 2046954 (VCV002046954.4), dbSNP rs2474996745, ClinGen allele CA2580070984.

ClinVar aggregate classification (germline): Uncertain significance (1 of 4 stars; one submission).

Conditions:
Lipoic acid synthetase deficiency. Also called: HYPERGLYCINEMIA, LACTIC ACIDOSIS, AND SEIZURES. Identifiers: Orphanet 401859, MedGen C3280887, MONDO:0013762, OMIM 614462.

Submission:

Labcorp Genetics (formerly Invitae), Labcorp
Classification: Uncertain significance for Lipoic acid synthetase deficiency. Last evaluated: 2024-11-05. Review status: criteria provided, single submitter. Criteria: Invitae Variant Classification Sherloc (09022015). Collection method: clinical testing. Allele origin: germline.
Comment: This variant, c.359_364del, results in the deletion of 2 amino acid(s) of the LIAS protein (p.Gly120_Gly121del), but otherwise preserves the integrity of the reading frame. This variant is not present in population databases (gnomAD no frequency). This variant has not been reported in the literature in individuals affected with LIAS-related conditions. ClinVar contains an entry for this variant (Variation ID: 2046954). Experimental studies and prediction algorithms are not available or were not evaluated, and the functional significance of this variant is currently unknown. In summary, the available evidence is currently insufficient to determine the role of this variant in disease. Therefore, it has been classified as a Variant of Uncertain Significance.